The following is an entry in ClinVar:

ClinVar aggregate classification (germline): Conflicting classifications of pathogenicity. Review status: criteria provided, conflicting classifications (1 of 4 stars). 4 submissions from 4 submitters: Uncertain significance (1); Likely benign (2). 1 of the submissions does not count toward it. Last evaluated 2025-11-15.

Conditions:
CC2D1A-related disorder. Also called: CC2D1A-related condition.

Allele frequency attached by ClinVar (database versions not stated): gnomAD 0.00013; TOPMed 0.00024.
gnomAD v4.1: 409 of 1,477,772 alleles (0.028%); highest among the groups gnomAD compares: Non-Finnish European, 0.033%; no homozygotes.

Submissions (4):

Labcorp Genetics (formerly Invitae), Labcorp
Classification: Likely benign. Last evaluated: 2025-11-15. Review status: criteria provided, single submitter. Criteria: Invitae Variant Classification Sherloc (09022015). Collection method: clinical testing. Allele origin: germline.

Blueprint Genetics
Classification: Likely benign. Last evaluated: 2024-11-18. Review status: criteria provided, single submitter. Criteria: ACMG Guidelines, 2015. Collection method: clinical testing. Allele origin: germline.

Genetic Services Laboratory, University of Chicago
Classification: Uncertain significance. Last evaluated: 2016-03-22. Review status: criteria provided, single submitter. Criteria: ACMG Guidelines, 2015. Collection method: clinical testing. Allele origin: germline. Affected: no.

PreventionGenetics, part of Exact Sciences
Classification: Likely benign for CC2D1A-related condition. Last evaluated: 2024-01-08. Review status: no assertion criteria provided. Collection method: clinical testing. Allele origin: germline. Not counted in ClinVar's aggregate classification.
Comment: This variant is classified as likely benign based on ACMG/AMP sequence variant interpretation guidelines (Richards et al. 2015 PMID: 25741868, with internal and published modifications).

NM_017721.5(CC2D1A):c.60+10C>A

Gene: CC2D1A (coiled-coil and C2 domain containing 1A; plus strand). Cytogenetic location: 19p13.12.
Variant type: single nucleotide variant.
Coding change: c.60+10C>A on transcript NM_017721.5 (MANE Select); 10 bases into the intron after coding-DNA position 60, C replaced by A.
Molecular consequence: intron variant.
Genome position (GRCh38, 1-based): chr19:13,906,511, C>A. VCF-style: chr19-13906511-C-A. GRCh37 (hg19) VCF-style: chr19-14017324-C-A.
Identifiers: ClinVar variation 434593 (VCV000434593.12), dbSNP rs769120532, ClinGen allele CA305608927.